The following is an entry in ClinVar:

NM_001205293.3(CACNA1E):c.4008_4009inv (p.Glu1337Lys)

Gene: CACNA1E (calcium voltage-gated channel subunit alpha1 E; plus strand). Cytogenetic location: 1q25.3.
Variant type: Inversion.
Coding change: c.4008_4009inv on transcript NM_001205293.3 (MANE Select).
Protein change: p.Glu1337Lys; replaces glutamic acid 1337 with lysine.
Molecular consequence: missense variant.
Genome position: GRCh38 VCF-style: chr1-181755974-TG-CA. GRCh37 (hg19) VCF-style: chr1-181725110-TG-CA.
Other names: c.4008_4009inv, p.Glu1337Lys (NM_000721.4); c.3951_3952inv, p.Glu1318Lys (NM_001205294.2); short protein forms E1318K, E1337K.
Identifiers: ClinVar variation 2847533 (VCV002847533.3), ClinGen allele CA2739275438.

ClinVar aggregate classification (germline): Uncertain significance (1 of 4 stars; one submission).

Submission:

Labcorp Genetics (formerly Invitae), Labcorp
Classification: Uncertain significance. Last evaluated: 2024-12-28. Review status: criteria provided, single submitter. Criteria: Invitae Variant Classification Sherloc (09022015). Collection method: clinical testing. Allele origin: germline.
Comment: This sequence change replaces glutamic acid, which is acidic and polar, with lysine, which is basic and polar, at codon 1337 of the CACNA1E protein (p.Glu1337Lys). Information on the frequency of this variant in the gnomAD database is not available, as this variant may be reported differently in the database. This variant has not been reported in the literature in individuals affected with CACNA1E-related conditions. ClinVar contains an entry for this variant (Variation ID: 2847533). Experimental studies and prediction algorithms are not available or were not evaluated, and the functional significance of this variant is currently unknown. In summary, the available evidence is currently insufficient to determine the role of this variant in disease. Therefore, it has been classified as a Variant of Uncertain Significance.